The following is an entry in ClinVar:

NM_001848.3(COL6A1):c.594G>A (p.Pro198=)

Gene: COL6A1 (collagen type VI alpha 1 chain; plus strand). Cytogenetic location: 21q22.3.
Variant type: single nucleotide variant.
Coding change: c.594G>A on transcript NM_001848.3 (MANE Select); coding-DNA position 594, G replaced by A.
Protein change: p.Pro198=; no amino-acid change (proline 198 retained).
Molecular consequence: synonymous variant.
Genome position (GRCh38, 1-based): chr21:45,986,949, G>A. VCF-style: chr21-45986949-G-A. GRCh37 (hg19) VCF-style: chr21-47406863-G-A.
Identifiers: ClinVar variation 705184 (VCV000705184.13), dbSNP rs376592866, ClinGen allele CA10069630.

ClinVar aggregate classification (germline): Conflicting classifications of pathogenicity. Review status: criteria provided, conflicting classifications (1 of 4 stars). 3 submissions from 3 submitters: Uncertain significance (1); Likely benign (2). Last evaluated 2026-09-01.

Conditions:
Bethlem myopathy 1A. Also called: MYOPATHY, BENIGN CONGENITAL, WITH CONTRACTURES; Bethlem Muscular Dystrophy; Bethlem myopathy 1. Identifiers: Orphanet 610, MedGen CN029274, MONDO:0024530, OMIM 158810.
Collagen 6-related myopathy. Identifiers: MedGen CN117976, MONDO:0100225.

Allele frequency attached by ClinVar (database versions not stated): ExAC below 0.00001; gnomAD exomes 0.00004 and 0.00008; TOPMed 0.00007; ESP Exome Variant Server 0.00008; gnomAD 0.00013.
gnomAD v4.1: 118 of 1,549,480 alleles (0.0076%); highest among the groups gnomAD compares: Non-Finnish European, 0.0093%; no homozygotes.

Submissions (3):

CeGaT Center for Human Genetics Tuebingen
Classification: Likely benign. Last evaluated: 2026-09-01. Review status: criteria provided, single submitter. Criteria: CeGaT Center For Human Genetics Tuebingen Variant Classification Criteria Version 2. Collection method: clinical testing. Allele origin: germline. Affected: yes. Observed: 1 variant allele.
Comment: COL6A1: BP4, BP7

Labcorp Genetics (formerly Invitae), Labcorp
Classification: Likely benign for Bethlem myopathy 1A. Last evaluated: 2025-03-27. Review status: criteria provided, single submitter. Criteria: Invitae Variant Classification Sherloc (09022015). Collection method: clinical testing. Allele origin: germline.

Illumina Laboratory Services, Illumina
Classification: Uncertain significance for Collagen VI-related myopathy. Last evaluated: 2018-01-13. Review status: criteria provided, single submitter. Criteria: ICSL Variant Classification Criteria 13 December 2019. Collection method: clinical testing. Allele origin: germline.